The following is an entry in ClinVar:

NM_032608.7(MYO18B):c.6143G>A (p.Arg2048Gln)

Gene: MYO18B (myosin XVIIIB; plus strand). Cytogenetic location: 22q12.1.
Variant type: single nucleotide variant.
Coding change: c.6143G>A on transcript NM_032608.7 (MANE Select); coding-DNA position 6143, G replaced by A.
Protein change: p.Arg2048Gln; replaces arginine 2048 with glutamine.
Molecular consequence: missense variant.
Genome position (GRCh38, 1-based): chr22:25,955,351, G>A. VCF-style: chr22-25955351-G-A. GRCh37 (hg19) VCF-style: chr22-26351317-G-A.
Other names: c.6146G>A, p.Arg2049Gln (NM_001318245.2); short protein forms R2048Q, R2049Q.
Identifiers: ClinVar variation 1512576 (VCV001512576.3), dbSNP rs766572507, ClinGen allele CA10161407.

ClinVar aggregate classification (germline): Uncertain significance (1 of 4 stars; one submission).

Allele frequency attached by ClinVar (database versions not stated): gnomAD 0.00002; gnomAD exomes 0.00002; TOPMed 0.00002; ExAC 0.00003.
gnomAD v4.1: 17 of 1,612,814 alleles (0.0011%); highest among the groups gnomAD compares: Middle Eastern, 0.017%; no homozygotes.

Submission:

Labcorp Genetics (formerly Invitae), Labcorp
Classification: Uncertain significance. Last evaluated: 2021-08-02. Review status: criteria provided, single submitter. Criteria: Invitae Variant Classification Sherloc (09022015). Collection method: clinical testing. Allele origin: germline.
Comment: This sequence change replaces arginine with glutamine at codon 2048 of the MYO18B protein (p.Arg2048Gln). The arginine residue is highly conserved and there is a small physicochemical difference between arginine and glutamine. This variant is present in population databases (rs766572507, ExAC 0.03%). This variant has not been reported in the literature in individuals affected with MYO18B-related conditions. Algorithms developed to predict the effect of missense changes on protein structure and function are either unavailable or do not agree on the potential impact of this missense change (SIFT: "Not Available"; PolyPhen-2: "Probably Damaging"; Align-GVGD: "Not Available"). In summary, the available evidence is currently insufficient to determine the role of this variant in disease. Therefore, it has been classified as a Variant of Uncertain Significance.